The following is an entry in ClinVar:

NM_004656.4(BAP1):c.1034G>A (p.Gly345Glu)

Gene: BAP1 (BRCA1 associated deubiquitinase 1; minus strand). Cytogenetic location: 3p21.1.
Variant type: single nucleotide variant.
Coding change: c.1034G>A on transcript NM_004656.4 (MANE Select); coding-DNA position 1034, G replaced by A.
Protein change: p.Gly345Glu; replaces glycine 345 with glutamic acid.
Molecular consequence: missense variant.
Genome position (GRCh38, 1-based): chr3:52,405,192, C>T on the plus strand (G>A on the coding strand, the complement: BAP1 is on the minus strand). VCF-style: chr3-52405192-C-T. GRCh37 (hg19) VCF-style: chr3-52439208-C-T.
Other names: c.1034G>A (LRG_529t1); short protein forms G345E.
Identifiers: ClinVar variation 485297 (VCV000485297.8), dbSNP rs756779992, ClinGen allele CA2436936.

ClinVar aggregate classification (germline): Uncertain significance. Review status: criteria provided, multiple submitters, no conflicts (2 of 4 stars). 2 submissions from 2 submitters: Uncertain significance (2). Last evaluated 2023-09-08.

Conditions:
BAP1-related tumor predisposition syndrome (TPDS1). Also called: Tumor susceptibility linked to germline BAP1 mutations; BAP1 tumor predisposition syndrome; COMMON Syndrome; TUMOR PREDISPOSITION SYNDROME 1. Identifiers: Orphanet 289539, MedGen C3280492, MONDO:0013692, OMIM 614327.
Hereditary cancer-predisposing syndrome. Also called: Neoplastic Syndromes, Hereditary; Tumor predisposition; Hereditary Cancer Syndrome; Hereditary neoplastic syndrome. Identifiers: Orphanet 140162, MedGen C0027672, MeSH D009386, MONDO:0015356.

Allele frequency attached by ClinVar (database versions not stated): gnomAD exomes below 0.00001; ExAC 0.00001.

Submissions (2):

Labcorp Genetics (formerly Invitae), Labcorp
Classification: Uncertain significance for BAP1-related tumor predisposition syndrome. Last evaluated: 2023-09-08. Review status: criteria provided, single submitter. Criteria: Invitae Variant Classification Sherloc (09022015). Collection method: clinical testing. Allele origin: germline.
Comment: In summary, the available evidence is currently insufficient to determine the role of this variant in disease. Therefore, it has been classified as a Variant of Uncertain Significance. Advanced modeling of protein sequence and biophysical properties (such as structural, functional, and spatial information, amino acid conservation, physicochemical variation, residue mobility, and thermodynamic stability) performed at Invitae indicates that this missense variant is not expected to disrupt BAP1 protein function. ClinVar contains an entry for this variant (Variation ID: 485297). This variant has not been reported in the literature in individuals affected with BAP1-related conditions. This variant is present in population databases (rs756779992, gnomAD 0.0009%). This sequence change replaces glycine, which is neutral and non-polar, with glutamic acid, which is acidic and polar, at codon 345 of the BAP1 protein (p.Gly345Glu).

Ambry Genetics
Classification: Uncertain significance for Hereditary cancer-predisposing syndrome. Last evaluated: 2017-01-06. Review status: criteria provided, single submitter. Criteria: Ambry Variant Classification Scheme 2023. Collection method: clinical testing. Allele origin: germline.
Comment: The p.G345E variant (also known as c.1034G>A), located in coding exon 11 of the BAP1 gene, results from a G to A substitution at nucleotide position 1034. The glycine at codon 345 is replaced by glutamic acid, an amino acid with similar properties. This amino acid position is well conserved in available vertebrate species. In addition, the in silico prediction for this alteration is inconclusive. Since supporting evidence is limited at this time, the clinical significance of this alteration remains unclear.